The following is an entry in ClinVar:

NM_001297719.2(BMAL1):c.179+134G>A

Gene: BMAL1 (basic helix-loop-helix ARNT like 1; plus strand). Cytogenetic location: 11p15.3.
Variant type: single nucleotide variant.
Coding change: c.179+134G>A on transcript NM_001297719.2 (MANE Select); 134 bases into the intron after coding-DNA position 179, G replaced by A.
Molecular consequence: intron variant.
Genome position (GRCh38, 1-based): chr11:13,356,911, G>A. VCF-style: chr11-13356911-G-A. GRCh37 (hg19) VCF-style: chr11-13378458-G-A.
Other names: c.179+134G>A (NM_001351804.1, NM_001351814.2, NM_001178.6 and 8 more transcripts); c.128+134G>A (NM_001351812.2, NM_001351809.2); c.50+134G>A (NM_001351823.2, NM_001351808.2, NM_001351818.2 and 7 more transcripts); c.-493+134G>A (NM_001351811.2); c.141-144G>A (NM_001351805.2, NM_001351806.2).
Identifiers: ClinVar variation 2641616 (VCV002641616.24), dbSNP rs764121491, ClinGen allele CA5892388.

ClinVar aggregate classification (germline): Likely benign (1 of 4 stars; one submission).

Allele frequency attached by ClinVar (database versions not stated): ExAC 0.00002; TOPMed 0.00002.
gnomAD v4.1: 63 of 1,585,436 alleles (0.004%); highest among the groups gnomAD compares: Non-Finnish European, 0.0048%; no homozygotes.

Submission:

CeGaT Center for Human Genetics Tuebingen
Classification: Likely benign. Last evaluated: 2022-10-01. Review status: criteria provided, single submitter. Criteria: CeGaT Center For Human Genetics Tuebingen Variant Classification Criteria Version 2. Collection method: clinical testing. Allele origin: germline. Affected: yes. Observed: 1 variant allele.
Comment: BMAL1: BP4, BP7